The following is an entry in ClinVar:

ClinVar aggregate classification (germline): Uncertain significance (1 of 4 stars; one submission).

Conditions:
Hereditary cancer-predisposing syndrome. Also called: Neoplastic Syndromes, Hereditary; Tumor predisposition; Hereditary neoplastic syndrome; Hereditary Cancer Syndrome. Identifiers: Orphanet 140162, MedGen C0027672, MeSH D009386, MONDO:0015356.

Allele frequency attached by ClinVar (database versions not stated): TOPMed below 0.00001; gnomAD 0.00001.
gnomAD v4.1: 1 of 1,613,052 alleles (0.000062%); highest among the groups gnomAD compares: Non-Finnish European, 0.000085%; no homozygotes.

Submission:

Ambry Genetics
Classification: Uncertain significance for Hereditary cancer-predisposing syndrome. Last evaluated: 2024-03-02. Review status: criteria provided, single submitter. Criteria: Ambry Variant Classification Scheme 2023. Collection method: clinical testing. Allele origin: germline.
Comment: The p.V1250I variant (also known as c.3748G>A), located in coding exon 24 of the RAD50 gene, results from a G to A substitution at nucleotide position 3748. The valine at codon 1250 is replaced by isoleucine, an amino acid with highly similar properties. This amino acid position is conserved. In addition, this alteration is predicted to be tolerated by in silico analysis. Based on the available evidence, the clinical significance of this alteration remains unclear.

NM_005732.4(RAD50):c.3748G>A (p.Val1250Ile)

Genes: TH2-LCR (Th2 cytokine locus control region; plus strand), TH2LCRR (T helper type 2 locus control region associated RNA; minus strand), RAD50 (RAD50 double strand break repair protein; plus strand). Cytogenetic location: 5q31.1.
Variant type: single nucleotide variant.
Coding change: c.3748G>A on transcript NM_005732.4 (MANE Select); coding-DNA position 3748, G replaced by A.
Protein change: p.Val1250Ile; replaces valine 1250 with isoleucine.
Molecular consequence: missense variant.
Genome position (GRCh38, 1-based): chr5:132,640,801, G>A. VCF-style: chr5-132640801-G-A. GRCh37 (hg19) VCF-style: chr5-131976493-G-A.
Other names: short protein forms V1250I.
Identifiers: ClinVar variation 3224985 (VCV003224985.1), dbSNP rs1200638952, ClinGen allele CA360935043.
Genomic context (GRCh38, chr5:132,640,801, plus strand): 5'-TTGGATGAGCCAACAACAAATCTTGACCGAGAAAACATTGAATCTCTTGCACATGCTCTG[G>A]TTGAGTAAGTATCTCTTGCACATGCTCTGGTTGAGTAAGTATCTCACATTTGGGGACAGG-3'
Protein context (NP_005723.2, residues 1240-1260): ENIESLAHAL[Val1250Ile]EIIKSRSQQR